The following is an entry in ClinVar:

NM_004247.4(EFTUD2):c.833T>C (p.Leu278Pro)

Gene: EFTUD2 (elongation factor Tu GTP binding domain containing 2; minus strand). Cytogenetic location: 17q21.31.
Variant type: single nucleotide variant.
Coding change: c.833T>C on transcript NM_004247.4 (MANE Select); coding-DNA position 833, T replaced by C.
Protein change: p.Leu278Pro; replaces leucine 278 with proline.
Molecular consequence: missense variant.
Genome position (GRCh38, 1-based): chr17:44,875,970, A>G on the plus strand (T>C on the coding strand, the complement: EFTUD2 is on the minus strand). VCF-style: chr17-44875970-A-G. GRCh37 (hg19) VCF-style: chr17-42953338-A-G.
Other names: c.728T>C, p.Leu243Pro (NM_001142605.2); c.833T>C, p.Leu278Pro (NM_001258353.2); c.803T>C, p.Leu268Pro (NM_001258354.2); short protein forms L243P, L268P, L278P.
Identifiers: ClinVar variation 4294351 (VCV004294351.1).

ClinVar aggregate classification (germline): Uncertain significance (1 of 4 stars; one submission).

Conditions:
Mandibulofacial dysostosis-microcephaly syndrome (MFDGA). Also called: Mandibulofacial dysostosis, Guion-Almeida type; Growth and mental retardation, mandibulofacial dysostosis, microcephaly, and cleft palate. Identifiers: Orphanet 79113, MedGen C1864652, MONDO:0012516, OMIM 610536.

Submission:

Laboratorio de Biologia Molecular/Medicina Genomica - IFF/Fiocruz, Instituto Fernandes Figueira, Fundacao Oswaldo Cruz
Classification: Uncertain significance for Mandibulofacial dysostosis, Guion-Almeida type. Last evaluated: 2025-07-04. Review status: criteria provided, single submitter. Criteria: ACMG Guidelines, 2015. Collection method: clinical testing. Allele origin: germline. Affected: yes. Observed: 1 variant allele.
Comment: Variant: c.833T>C (p.Leu278Pro) in exon 10 of the EFTUD2 gene. Protein effect: Missense substitution. This residue is highly conserved across species and lies within the P-loop containing nucleoside triphosphate hydrolases domain, a well-established functional region where pathogenic variants are frequently reported. In silico evidence: Pathogenicity predictors indicate a deleterious effect on protein function (REVEL score: 0.903). Population data: Absent or extremely rare in population databases (gnomAD). ACMG/AMP criteria applied: PM1, PM2_Supporting, PP3, following ClinGen SVI recommendations.